The following is an entry in ClinVar:

NM_001330260.2(SCN8A):c.4556T>C (p.Val1519Ala)

Gene: SCN8A (sodium voltage-gated channel alpha subunit 8; plus strand). Cytogenetic location: 12q13.13.
Variant type: single nucleotide variant.
Coding change: c.4556T>C on transcript NM_001330260.2 (MANE Select); coding-DNA position 4556, T replaced by C.
Protein change: p.Val1519Ala; replaces valine 1519 with alanine.
Molecular consequence: missense variant.
Genome position (GRCh38, 1-based): chr12:51,794,402, T>C. VCF-style: chr12-51794402-T-C. GRCh37 (hg19) VCF-style: chr12-52188186-T-C.
Other names: c.4433T>C, p.Val1478Ala (NM_001177984.3, NM_001369788.1); c.4556T>C, p.Val1519Ala (NM_014191.4); short protein forms V1478A, V1519A.
Identifiers: ClinVar variation 2903553 (VCV002903553.3), dbSNP rs2540315369, ClinGen allele CA384878506.

ClinVar aggregate classification (germline): Uncertain significance (1 of 4 stars; one submission).

Conditions:
Early-infantile DEE. Also called: Early infantile epileptic encephalopathy; Ohtahara syndrome; Early infantile epileptic encephalopathy with suppression bursts. Identifiers: Orphanet 1934, MedGen C0393706, MONDO:0800491.

Submission:

Labcorp Genetics (formerly Invitae), Labcorp
Classification: Uncertain significance for Early-infantile DEE. Last evaluated: 2023-02-14. Review status: criteria provided, single submitter. Criteria: Invitae Variant Classification Sherloc (09022015). Collection method: clinical testing. Allele origin: germline.
Comment: Advanced modeling of protein sequence and biophysical properties (such as structural, functional, and spatial information, amino acid conservation, physicochemical variation, residue mobility, and thermodynamic stability) has been performed at Invitae for this missense variant, however the output from this modeling did not meet the statistical confidence thresholds required to predict the impact of this variant on SCN8A protein function. This sequence change replaces valine, which is neutral and non-polar, with alanine, which is neutral and non-polar, at codon 1519 of the SCN8A protein (p.Val1519Ala). This variant is not present in population databases (gnomAD no frequency). This variant has not been reported in the literature in individuals affected with SCN8A-related conditions. In summary, the available evidence is currently insufficient to determine the role of this variant in disease. Therefore, it has been classified as a Variant of Uncertain Significance.